The following is an entry in ClinVar:

ClinVar aggregate classification (germline): Uncertain significance (1 of 4 stars; one submission).

Conditions:
Dilated cardiomyopathy 1W (CMD1W). Identifiers: Orphanet 154, MedGen C1969639, MONDO:0012667, OMIM 611407.

Submission:

Labcorp Genetics (formerly Invitae), Labcorp
Classification: Uncertain significance for Dilated cardiomyopathy 1W. Last evaluated: 2020-08-20. Review status: criteria provided, single submitter. Criteria: Invitae Variant Classification Sherloc (09022015). Collection method: clinical testing. Allele origin: germline.
Comment: This variant is not present in population databases (ExAC no frequency). In summary, the available evidence is currently insufficient to determine the role of this variant in disease. Therefore, it has been classified as a Variant of Uncertain Significance. Algorithms developed to predict the effect of missense changes on protein structure and function are either unavailable or do not agree on the potential impact of this missense change (SIFT: "Not Available"; PolyPhen-2: "Probably Damaging"; Align-GVGD: "Not Available"). This variant has not been reported in the literature in individuals with VCL-related conditions. This sequence change replaces proline with leucine at codon 897 of the VCL protein (p.Pro897Leu). The proline residue is moderately conserved and there is a moderate physicochemical difference between proline and leucine.

NM_014000.3(VCL):c.2690C>T (p.Pro897Leu)

Gene: VCL (vinculin; plus strand). Cytogenetic location: 10q22.2.
Variant type: single nucleotide variant.
Coding change: c.2690C>T on transcript NM_014000.3 (MANE Select); coding-DNA position 2690, C replaced by T.
Protein change: p.Pro897Leu; replaces proline 897 with leucine.
Molecular consequence: missense variant.
Genome position (GRCh38, 1-based): chr10:74,109,101, C>T. VCF-style: chr10-74109101-C-T. GRCh37 (hg19) VCF-style: chr10-75868859-C-T.
Other names: c.2690C>T, p.Pro897Leu (NM_003373.4); short protein forms P897L.
Identifiers: ClinVar variation 1040362 (VCV001040362.7), dbSNP rs921055002, ClinGen allele CA209696724.